The following is an entry in ClinVar:

NM_152618.3(BBS12):c.1932TAG[1] (p.Ser645del)

Gene: BBS12 (Bardet-Biedl syndrome 12; plus strand). Cytogenetic location: 4q27.
Variant type: Microsatellite.
Coding change: c.1932TAG[1] on transcript NM_152618.3 (MANE Select); one copy of the 3-base unit TAG starting at c.1932; the reference has two copies in a row; one copy, 3 bases deleted; also written c.1935_1937del.
Protein change: p.Ser645del; deletes serine 645.
Molecular consequence: inframe deletion.
Genome position (GRCh38, 1-based): chr4:122,743,827-122,743,829, TAG deleted; deleting any 3 consecutive bases within chr4:122,743,824-122,743,829 gives the same sequence; the position shown is the placement nearest the transcript's 3' end. VCF-style (leftmost placement, unchanged base first): chr4-122743823-ATAG-A. GRCh37 (hg19) VCF-style: chr4-123664978-ATAG-A.
Other names: c.1935_1937del (NM_152618.3); c.1932TAG[1], p.Ser645del (NM_001178007.2); short protein forms S645del.
Identifiers: ClinVar variation 552661 (VCV000552661.6), dbSNP rs758008862, ClinGen allele CA3069535.
Genomic context (GRCh38, chr4:122,743,823, plus strand): 5'-AAAATGCCACAGACTCTGGCTCTCCTTCATCTTACATCTTGAATGAATATAGTAAACTAA[ATAG>A]TAGAATTTTTAATTCAGACATTTCAAATAAACTGGAGCAGATTCCGAGAGTTTATGACGT-3'

ClinVar aggregate classification (germline): Uncertain significance. Review status: criteria provided, multiple submitters, no conflicts (2 of 4 stars). 5 submissions from 5 submitters: Uncertain significance (4). 1 of the submissions does not count toward it. Last evaluated 2023-08-01.

Conditions:
BBS12-related disorder. Also called: BBS12-related condition.
Bardet-Biedl syndrome (BBS). Identifiers: Orphanet 110, MedGen C0752166, MONDO:0015229.
Bardet-Biedl syndrome 12 (BBS12). Identifiers: Orphanet 110, MedGen C1859570, MONDO:0014440, OMIM 615989.

Submissions (5):

PreventionGenetics, part of Exact Sciences
Classification: Uncertain significance for BBS12-related condition. Last evaluated: 2023-08-01. Review status: criteria provided, single submitter. Criteria: ACMG Guidelines, 2015. Collection method: clinical testing. Allele origin: germline.
Comment: The BBS12 c.1935_1937delTAG variant is predicted to result in an in-frame deletion (p.Ser645del). To our knowledge, this variant has not been reported in the literature. This variant is reported in 0.049% of alleles in individuals of South Asian descent in gnomAD. At this time, the clinical significance of this variant is uncertain due to the absence of conclusive functional and genetic evidence.

Fulgent Genetics
Classification: Uncertain significance for Bardet-Biedl syndrome 12. Last evaluated: 2022-03-21. Review status: criteria provided, single submitter. Criteria: ACMG Guidelines, 2015. Collection method: clinical testing. Allele origin: unknown.

Labcorp Genetics (formerly Invitae), Labcorp
Classification: Uncertain significance for Bardet-Biedl syndrome. Last evaluated: 2022-03-19. Review status: criteria provided, single submitter. Criteria: Invitae Variant Classification Sherloc (09022015). Collection method: clinical testing. Allele origin: germline.
Comment: This variant, c.1935_1937del, results in the deletion of 1 amino acid(s) of the BBS12 protein (p.Ser645del), but otherwise preserves the integrity of the reading frame. This variant is present in population databases (rs758008862, gnomAD 0.05%). This variant has not been reported in the literature in individuals affected with BBS12-related conditions. ClinVar contains an entry for this variant (Variation ID: 552661). In summary, the available evidence is currently insufficient to determine the role of this variant in disease. Therefore, it has been classified as a Variant of Uncertain Significance.

SN ONGC Dept of Genetics and Molecular biology Vision Research Foundation
Classification: Uncertain significance for Bardet-Biedl syndrome. Review status: criteria provided, single submitter. Criteria: ACMG Guidelines, 2015. Collection method: research. Allele origin: unknown. Affected: yes. Observed: 1 heterozygote.

Counsyl
Classification: Uncertain significance for Bardet-Biedl syndrome 12. Last evaluated: 2017-06-26. Review status: no assertion criteria provided. Collection method: clinical testing. Allele origin: unknown. Not counted in ClinVar's aggregate classification.